The following is an entry in ClinVar:

ClinVar aggregate classification (germline): Uncertain significance. Review status: criteria provided, multiple submitters, no conflicts (2 of 4 stars). 2 submissions from 2 submitters: Uncertain significance (2). Last evaluated 2025-02-16.

Conditions:
Immunodeficiency 51 (IMD51). Also called: CANDIDIASIS, FAMILIAL, 5. Identifiers: Orphanet 1334, MedGen C4310803, MONDO:0013500, OMIM 613953.

Submissions (2):

GeneDx
Classification: Uncertain significance. Last evaluated: 2025-02-16. Review status: criteria provided, single submitter. Criteria: GeneDx Variant Classification Process June 2021. Collection method: clinical testing. Allele origin: germline. Affected: yes.
Comment: In-frame duplication of 8 amino acid(s) in a non-repeat region; Not observed at significant frequency in large population cohorts (gnomAD); Has not been previously published as pathogenic or benign to our knowledge

Labcorp Genetics (formerly Invitae), Labcorp
Classification: Uncertain significance for Immunodeficiency 51. Last evaluated: 2022-05-20. Review status: criteria provided, single submitter. Criteria: Invitae Variant Classification Sherloc (09022015). Collection method: clinical testing. Allele origin: germline.
Comment: This variant, c.1970_1993dup, results in the insertion of 8 amino acid(s) of the IL17RA protein (p.Arg657_Pro664dup), but otherwise preserves the integrity of the reading frame. This variant is present in population databases (no rsID available, gnomAD 0.02%). This variant has not been reported in the literature in individuals affected with IL17RA-related conditions. ClinVar contains an entry for this variant (Variation ID: 1315196). In summary, the available evidence is currently insufficient to determine the role of this variant in disease. Therefore, it has been classified as a Variant of Uncertain Significance.

NM_014339.7(IL17RA):c.1970_1993dup (p.Arg657_Pro664dup)

Gene: IL17RA (interleukin 17 receptor A; plus strand). Cytogenetic location: 22q11.1.
Variant type: Duplication.
Coding change: c.1970_1993dup on transcript NM_014339.7 (MANE Select); coding-DNA positions 1970 to 1993, 24 bases duplicated (GGGGTCAGCCAGCGCCGCAGCCCC).
Protein change: p.Arg657_Pro664dup.
Molecular consequence: inframe insertion.
Genome position (GRCh38, 1-based): chr22:17,109,189-17,109,212, GGGGTCAGCCAGCGCCGCAGCCCC duplicated; duplicating any 24 consecutive bases within chr22:17,109,181-17,109,212 gives the same sequence; the c. name uses the placement nearest the transcript's 3' end. VCF-style (leftmost placement, unchanged base first): chr22-17109180-T-TGCAGCCCCGGGGTCAGCCAGCGCC. GRCh37 (hg19) VCF-style: chr22-17590070-T-TGCAGCCCCGGGGTCAGCCAGCGCC.
Other names: c.1868_1891dup, p.Arg623_Pro630dup (NM_001289905.2).
Identifiers: ClinVar variation 1315196 (VCV001315196.4), dbSNP rs1294637470, ClinGen allele CA638501118.